The following is an entry in ClinVar:

NM_000157.4(GBA1):c.892T>C (p.Phe298Leu)

Genes: GBA1 (glucosylceramidase beta 1; minus strand), LOC106627981 (GBA recombination region; plus strand). Cytogenetic location: 1q22.
Variant type: single nucleotide variant.
Coding change: c.892T>C on transcript NM_000157.4 (MANE Select); coding-DNA position 892, T replaced by C.
Protein change: p.Phe298Leu; replaces phenylalanine 298 with leucine.
Molecular consequence: missense variant.
Genome position (GRCh38, 1-based): chr1:155,237,448, A>G on the plus strand (T>C on the coding strand, the complement: GBA1 is on the minus strand). VCF-style: chr1-155237448-A-G. GRCh37 (hg19) VCF-style: chr1-155207239-A-G.
Other names: c.892T>C, p.Phe298Leu (NM_001005741.3, NM_001005742.3); c.631T>C, p.Phe211Leu (NM_001171811.2); c.745T>C, p.Phe249Leu (NM_001171812.2); short protein forms F211L, F249L, F298L.
Identifiers: ClinVar variation 4817821 (VCV004817821.1).

ClinVar aggregate classification (germline): Likely pathogenic (1 of 4 stars; one submission).

Conditions:
Gaucher disease. Also called: Acute cerebral Gaucher disease; Cerebroside lipidosis syndrome; Gaucher splenomegaly; Sphingolipidosis 1; Glucocerebrosidosis; Glucosylceramidase deficiency. Identifiers: Orphanet 355, MedGen C0017205, MONDO:0018150.

gnomAD v4.1: 1 of 1,613,834 alleles (0.000062%); highest among the groups gnomAD compares: Admixed American, 0.0017%; no homozygotes.

Submission:

Natera, Inc.
Classification: Likely pathogenic for Gaucher disease. Last evaluated: 2025-03-14. Review status: criteria provided, single submitter. Criteria: Natera Variant Classification Schema (03/2026). Collection method: clinical testing. Allele origin: germline.
Comment: The c.892T>C variant in GBA1 is a missense variant predicted to cause substitution of phenylalanine to leucine at amino acid 298. This variant is rare in the general population with a frequency below the threshold expected for the associated phenotype(s). Another variant at this same site results in an alteration predicted to cause a similar molecular effect has been observed in individual(s) with the associated phenotype. Computational prediction algorithms indicate this variant is likely to affect gene or protein function. Given the available evidence, this variant is classified as Likely Pathogenic.